The following is an entry in ClinVar:

ClinVar aggregate classification (germline): Likely benign. Review status: criteria provided, single submitter (1 of 4 stars). 2 submissions from 2 submitters: Likely benign (1). 1 of the submissions does not count toward it. Last evaluated 2018-04-02.

Conditions:
AMZ2-related disorder. Also called: AMZ2-related condition.

Submissions (2):

Labcorp Genetics (formerly Invitae), Labcorp
Classification: Likely benign. Last evaluated: 2018-04-02. Review status: criteria provided, single submitter. Criteria: Invitae Variant Classification Sherloc (09022015). Collection method: clinical testing. Allele origin: germline.

PreventionGenetics, part of Exact Sciences
Classification: Benign for AMZ2-related condition. Last evaluated: 2019-07-18. Review status: no assertion criteria provided. Collection method: clinical testing. Allele origin: germline. Not counted in ClinVar's aggregate classification.
Comment: This variant is classified as benign based on ACMG/AMP sequence variant interpretation guidelines (Richards et al. 2015 PMID: 25741868, with internal and published modifications).

NM_016627.5(AMZ2):c.937_941del (p.Arg313fs)

Gene: AMZ2 (archaelysin family metallopeptidase 2; plus strand). Cytogenetic location: 17q24.2.
Variant type: Deletion.
Coding change: c.937_941del on transcript NM_016627.5 (MANE Select); coding-DNA positions 937 to 941, 5 bases deleted (AGGTG; older notation c.937_941delAGGTG).
Protein change: p.Arg313fs; shifts the reading frame from arginine 313.
Molecular consequence: frameshift variant. On other transcripts: non-coding transcript variant (2).
Genome position (GRCh38, 1-based): chr17:68,256,823-68,256,827, AGGTG deleted; deleting any 5 consecutive bases within chr17:68,256,819-68,256,827 gives the same sequence; the c. name uses the placement nearest the transcript's 3' end. VCF-style (leftmost placement, unchanged base first): chr17-68256818-TGGTGA-T. GRCh37 (hg19) VCF-style: chr17-66252959-TGGTGA-T.
Other names: c.937_941del, p.Arg313fs (NM_001033569.2, NM_001033570.2, NM_001033571.1 and 12 more transcripts); c.763_767del, p.Arg255fs (NM_001033574.2, NM_001346480.1); c.835_839del, p.Arg279fs (NM_001346481.1, NM_001346482.1, NM_001346483.2 and 1 more transcripts); c.769_773del, p.Arg257fs (NM_001346485.2); c.937_941delAGGTG (NM_001033569.1); c.763_767del5 (NM_001033574.1); short protein forms R279fs, R257fs, R313fs, R255fs.
Identifiers: ClinVar variation 774931 (VCV000774931.5), dbSNP rs374606347, ClinGen allele CA8727700.
Genomic context (GRCh38, chr17:68,256,818, plus strand): 5'-GCCTGATGGTATTTTGCTGTGGTTTGTTGAAGTGCGCATCTTTCATGTTTTTCCAGGCAC[TGGTGA>T]GGTGGATTGATGATGAATCTTCTGACACACCTGGAGCAACTCCAGAACACAGTCACGAGG-3'